The following is an entry in ClinVar:

ClinVar aggregate classification (germline): Uncertain significance. Review status: criteria provided, multiple submitters, no conflicts (2 of 4 stars). 2 submissions from 2 submitters: Uncertain significance (2). Last evaluated 2024-09-09.

gnomAD v4.1: 70 of 1,613,986 alleles (0.0043%); highest among the groups gnomAD compares: Non-Finnish European, 0.0057%; no homozygotes.

Submissions (2):

Ambry Genetics
Classification: Uncertain significance. Last evaluated: 2024-09-09. Review status: criteria provided, single submitter. Criteria: Ambry Variant Classification Scheme 2023. Collection method: clinical testing. Allele origin: germline.

Labcorp Genetics (formerly Invitae), Labcorp
Classification: Uncertain significance. Last evaluated: 2024-05-02. Review status: criteria provided, single submitter. Criteria: Invitae Variant Classification Sherloc (09022015). Collection method: clinical testing. Allele origin: germline.
Comment: This sequence change replaces arginine, which is basic and polar, with proline, which is neutral and non-polar, at codon 141 of the WNT3A protein (p.Arg141Pro). This variant is present in population databases (rs148616293, gnomAD 0.007%). This variant has not been reported in the literature in individuals affected with WNT3A-related conditions. Advanced modeling of protein sequence and biophysical properties (such as structural, functional, and spatial information, amino acid conservation, physicochemical variation, residue mobility, and thermodynamic stability) performed at Invitae indicates that this missense variant is not expected to disrupt WNT3A protein function with a negative predictive value of 80%. In summary, the available evidence is currently insufficient to determine the role of this variant in disease. Therefore, it has been classified as a Variant of Uncertain Significance.

NM_033131.4(WNT3A):c.422G>C (p.Arg141Pro)

Gene: WNT3A (Wnt family member 3A; plus strand). Cytogenetic location: 1q42.13.
Variant type: single nucleotide variant.
Coding change: c.422G>C on transcript NM_033131.4 (MANE Select); coding-DNA position 422, G replaced by C.
Protein change: p.Arg141Pro; replaces arginine 141 with proline.
Molecular consequence: missense variant.
Genome position (GRCh38, 1-based): chr1:228,050,764, G>C. VCF-style: chr1-228050764-G-C. GRCh37 (hg19) VCF-style: chr1-228238465-G-C.
Other names: short protein forms R141P.
Identifiers: ClinVar variation 3470827 (VCV003470827.3).